The following is an entry in ClinVar:

ClinVar aggregate classification (germline): Pathogenic (1 of 4 stars; one submission).

Conditions:
Hereditary spastic paraplegia 4. Also called: Spastic Paraplegia 4; Spastic paraplegia 4, autosomal dominant; Familial spastic paraplegia autosomal dominant 2. Identifiers: Orphanet 100985, MedGen C1866855, MONDO:0008438, OMIM 182601.

Submission:

Genetic Foundation of Khorasan Razavi (GFKR)
Classification: Pathogenic for Hereditary spastic paraplegia 4. Last evaluated: 2023-06-14. Review status: criteria provided, single submitter. Criteria: ACMG Guidelines, 2015. Collection method: clinical testing. Allele origin: de novo. Inheritance: Autosomal dominant inheritance. Affected: yes.
Comment: This missense variant is located within a well-established functional domain of the protein that is enriched for pathogenic variants, supporting a role in disease. It occurs in a gene where missense variation is a known disease mechanism and benign missense changes are uncommon. The variant is absent in population databases, consistent with the rarity expected for a pathogenic allele. Additionally, another pathogenic missense change affecting the same amino acid residue has been previously reported, indicating that this position is critical for protein function. Multiple computational prediction tools also support a deleterious effect on the protein. Taken together, these findings support a likely pathogenic classification according to ACMG/AMP guidelines

NM_014946.4(SPAST):c.1685G>C (p.Arg562Pro)

Gene: SPAST (spastin; plus strand). Cytogenetic location: 2p22.3.
Variant type: single nucleotide variant.
Coding change: c.1685G>C on transcript NM_014946.4 (MANE Select); coding-DNA position 1685, G replaced by C.
Protein change: p.Arg562Pro; replaces arginine 562 with proline.
Molecular consequence: missense variant. On other transcripts: intron variant (1).
Genome position (GRCh38, 1-based): chr2:32,145,005, G>C. VCF-style: chr2-32145005-G-C. GRCh37 (hg19) VCF-style: chr2-32370074-G-C.
Other names: c.1589G>C, p.Arg530Pro (NM_199436.2); c.1520+1590G>C (NM_001377959.1); c.1682G>C, p.Arg561Pro (NM_001363823.2); c.1586G>C, p.Arg529Pro (NM_001363875.2); short protein forms R529P, R530P, R561P, R562P.
Identifiers: ClinVar variation 4537476 (VCV004537476.1).